The following is an entry in ClinVar:

ClinVar aggregate classification (germline): Uncertain significance (1 of 4 stars; one submission).

Submission:

GeneDx
Classification: Uncertain significance. Last evaluated: 2026-02-26. Review status: criteria provided, single submitter. Criteria: GeneDx Variant Classification Process June 2021. Collection method: clinical testing. Allele origin: germline.
Comment: Not observed at significant frequency in large population cohorts (gnomAD); Has not been previously published as pathogenic or benign to our knowledge; Initiation codon variant in a gene with an unclear effect on protein function

NM_004863.4(SPTLC2):c.1A>T (p.Met1Leu)

Gene: SPTLC2 (serine palmitoyltransferase long chain base subunit 2; minus strand). Cytogenetic location: 14q24.3.
Variant type: single nucleotide variant.
Coding change: c.1A>T on transcript NM_004863.4 (MANE Select); coding-DNA position 1, A replaced by T.
Protein change: p.Met1Leu; changes the start codon (methionine 1).
Molecular consequence: missense variant, initiator codon variant.
Genome position (GRCh38, 1-based): chr14:77,616,579, T>A on the plus strand (A>T on the coding strand, the complement: SPTLC2 is on the minus strand). VCF-style: chr14-77616579-T-A. GRCh37 (hg19) VCF-style: chr14-78082922-T-A.
Other names: short protein forms M1L.
Identifiers: ClinVar variation 5008030 (VCV005008030.1).
Genomic context (GRCh38, chr14:77,616,579, plus strand): 5'-CCACGCAGCCATTCGCCCGCACCGTGCGGCGGCAGCAGCAGCCTCCGGGCTCCGGCCGCA[T>A]CTTCCTGGCAGCACCAGGCGCAAGGCAGGCTCTGTAGGCGGTGGCAGCGGCGGCGGCTGC-3'
Protein context (NP_004854.1, residues 1-11): [Met1Leu]RPEPGGCCCR